The following is an entry in ClinVar:

NC_000022.11:g.40346063C>T

Gene: ADSL (adenylosuccinate lyase; plus strand). Cytogenetic location: 22q13.1.
Variant type: single nucleotide variant.
Genome position: GRCh38 VCF-style: chr22-40346063-C-T. GRCh37 (hg19) VCF-style: chr22-40742067-C-T.
Identifiers: ClinVar variation 1411853 (VCV001411853.4), dbSNP rs927109163, ClinGen allele CA324446546.

ClinVar aggregate classification (germline): Uncertain significance (1 of 4 stars; one submission).

Conditions:
Adenylosuccinate lyase deficiency (ADSLD). Also called: ADSL DEFICIENCY. Identifiers: Orphanet 46, MedGen C0268126, MONDO:0007068, OMIM 103050.

Allele frequency attached by ClinVar (database versions not stated): gnomAD 0.00003.

Submission:

Labcorp Genetics (formerly Invitae), Labcorp
Classification: Uncertain significance for Adenylosuccinate lyase deficiency. Last evaluated: 2024-10-28. Review status: criteria provided, single submitter. Criteria: Invitae Variant Classification Sherloc (09022015). Collection method: clinical testing. Allele origin: germline.
Comment: This variant occurs in a non-coding region of the ADSL gene. It does not change the encoded amino acid sequence of the ADSL protein. This variant is present in population databases (no rsID available, gnomAD 0.01%). This variant has not been reported in the literature in individuals affected with ADSL-related conditions. Experimental studies and prediction algorithms are not available or were not evaluated, and the functional significance of this variant is currently unknown. In summary, the available evidence is currently insufficient to determine the role of this variant in disease. Therefore, it has been classified as a Variant of Uncertain Significance.